The following is an entry in ClinVar:

ClinVar aggregate classification (germline): Uncertain significance (1 of 4 stars; one submission).

Conditions:
Megabladder, congenital. Identifiers: MedGen C5231472, MONDO:0032879, OMIM 618719.

Submission:

Juno Genomics, Hangzhou Juno Genomics, Inc
Classification: Uncertain significance for Megabladder, congenital. Review status: criteria provided, single submitter. Criteria: ACMG Guidelines, 2015. Collection method: clinical testing. Allele origin: germline. Affected: yes.
Comment: Absent from controls (or at extremely low frequency if recessive) in Genome Aggregation Database.

NM_001146312.3(MYOCD):c.415+1del

Gene: MYOCD (myocardin; plus strand). Cytogenetic location: 17p12.
Variant type: Deletion.
Coding change: c.415+1del on transcript NM_001146312.3 (MANE Select); the canonical splice donor site of the intron after coding-DNA position 415, one base deleted (G; older notation c.415+1delG).
Molecular consequence: splice donor variant.
Genome position (GRCh38, 1-based): chr17:12,723,009, G deleted; the last of 2 consecutive G bases (chr17:12,723,008-12,723,009); deleting either gives the same sequence. VCF-style (leftmost placement, unchanged base first): chr17-12723007-AG-A. GRCh37 (hg19) VCF-style: chr17-12626324-AG-A.
Other names: c.178+1del (NM_001378306.1); c.415+1del (NM_153604.4).
Identifiers: ClinVar variation 5019181 (VCV005019181.1).